The following is an entry in ClinVar:

ClinVar aggregate classification (germline): Benign/Likely benign. Review status: criteria provided, multiple submitters, no conflicts (2 of 4 stars). 8 submissions from 8 submitters: Benign (3); Likely benign (4). 1 of the submissions does not count toward it. Last evaluated 2026-01-26.

Conditions:
Lymphangiomyomatosis (LAM). Also called: Lymphangioleiomyomatosis; Lymphangioleiomyomatosis, somatic. Identifiers: Orphanet 538, MedGen C0751674, MONDO:0011705, OMIM 606690.
Tuberous sclerosis 2 (TSC2). Identifiers: Orphanet 805, MedGen C1860707, MONDO:0013199, OMIM 613254.
Isolated focal cortical dysplasia type II (FCORD2). Also called: CORTICAL DYSPLASIA OF TAYLOR; Focal cortical dysplasia type II. Identifiers: Orphanet 268994, MedGen C1846385, MONDO:0011818, OMIM 607341, HP:0032051.
Tuberous sclerosis syndrome (TSC). Also called: Tuberous Sclerosis Complex; Tuberous sclerosis. Identifiers: Orphanet 805, MedGen C0041341, MONDO:0001734.

Allele frequency attached by ClinVar (database versions not stated): gnomAD exomes 0.00003 and 0.00008; TOPMed 0.00005; gnomAD 0.00006 and 0.00007; ExAC 0.00014.
gnomAD v4.1: 50 of 1,613,620 alleles (0.0031%); highest among the groups gnomAD compares: South Asian, 0.03%; 2 homozygotes.

Submissions (8):

Labcorp Genetics (formerly Invitae), Labcorp
Classification: Likely benign for Tuberous sclerosis 2. Last evaluated: 2026-01-26. Review status: criteria provided, single submitter. Criteria: Invitae Variant Classification Sherloc (09022015). Collection method: clinical testing. Allele origin: germline.

Myriad Genetics, Inc.
Classification: Benign for Tuberous sclerosis 2. Last evaluated: 2024-09-05. Review status: criteria provided, single submitter. Criteria: Myriad Autosomal Dominant, Autosomal Recessive and X-Linked Classification Criteria (2023). Collection method: clinical testing. Allele origin: unknown.
Comment: This variant is considered benign. This variant is intronic and is not expected to impact mRNA splicing. This variant has been observed at a population frequency that is significantly greater than expected given the associated disease prevalence and penetrance.

All of Us Research Program, National Institutes of Health
Classification: Benign for Tuberous sclerosis syndrome. Last evaluated: 2023-11-30. Review status: criteria provided, single submitter. Criteria: ACMG Guidelines, 2015. Collection method: clinical testing. Allele origin: germline. Inheritance: Autosomal dominant inheritance. Observed: 6 variant alleles, 6 heterozygotes.
Comment: This study involves interpretation of variants in research participants for the purpose of population health screening. Participant phenotype was not available at the time of variant classification. Additional details can be found in publication PMID: 35346344, PMCID: PMC8962531

Blueprint Genetics
Classification: Likely benign. Last evaluated: 2022-11-17. Review status: criteria provided, single submitter. Criteria: ACMG Guidelines, 2015. Collection method: clinical testing. Allele origin: germline.

Color Diagnostics, LLC DBA Color Health
Classification: Benign for Tuberous sclerosis syndrome. Last evaluated: 2022-09-13. Review status: criteria provided, single submitter. Criteria: ACMG Guidelines, 2015. Collection method: clinical testing. Allele origin: germline.

Fulgent Genetics
Classification: Likely benign for Lymphangiomyomatosis; Isolated focal cortical dysplasia type II; Tuberous sclerosis 2. Last evaluated: 2021-10-26. Review status: criteria provided, single submitter. Criteria: ACMG Guidelines, 2015. Collection method: clinical testing. Allele origin: unknown.

GeneDx
Classification: Likely benign. Last evaluated: 2017-06-13. Review status: criteria provided, single submitter. Criteria: GeneDx Variant Classification (06012015). Collection method: clinical testing. Allele origin: germline. Affected: yes.
Comment: This variant is considered likely benign or benign based on one or more of the following criteria: it is a conservative change, it occurs at a poorly conserved position in the protein, it is predicted to be benign by multiple in silico algorithms, and/or has population frequency not consistent with disease.

Tuberous sclerosis database (TSC2)
No classification provided. Condition: TSC. Review status: no classification provided. Criteria: Tuberous Sclerosis Database Assertion Criteria 2015. Collection method: curation. Allele origin: germline. Affected: yes. Not counted in ClinVar's aggregate classification.

NM_000548.5(TSC2):c.600-15C>T

Gene: TSC2 (TSC complex subunit 2; plus strand). Cytogenetic location: 16p13.3.
Variant type: single nucleotide variant.
Coding change: c.600-15C>T on transcript NM_000548.5 (MANE Select); 15 bases into the intron before coding-DNA position 600, C replaced by T.
Molecular consequence: intron variant.
Genome position (GRCh38, 1-based): chr16:2,056,181, C>T. VCF-style: chr16-2056181-C-T. GRCh37 (hg19) VCF-style: chr16-2106182-C-T.
Other names: c.600-15C>T (NM_001114382.3, NM_021055.3, NM_001370405.1 and 3 more transcripts); c.489-15C>T (NM_001318827.2); c.-1-15C>T (NM_001318831.2); c.453-15C>T (NM_001318829.2); c.633-15C>T (NM_001318832.2).
Identifiers: ClinVar variation 65102 (VCV000065102.14), dbSNP rs369708731, ClinGen allele CA022661.